The following is an entry in ClinVar:

ClinVar aggregate classification (germline): Uncertain significance (1 of 4 stars; one submission).

Conditions:
Baller-Gerold syndrome (BGS). Also called: CRANIOSYNOSTOSIS WITH RADIAL DEFECTS. Identifiers: Orphanet 1225, MedGen C0265308, MONDO:0009039, OMIM 218600.

Submission:

Labcorp Genetics (formerly Invitae), Labcorp
Classification: Uncertain significance for Baller-Gerold syndrome. Last evaluated: 2022-07-14. Review status: criteria provided, single submitter. Criteria: Invitae Variant Classification Sherloc (09022015). Collection method: clinical testing. Allele origin: germline.
Comment: In summary, the available evidence is currently insufficient to determine the role of this variant in disease. Therefore, it has been classified as a Variant of Uncertain Significance. Algorithms developed to predict the effect of sequence changes on RNA splicing suggest that this variant may create or strengthen a splice site. This variant has not been reported in the literature in individuals affected with RECQL4-related conditions. This variant is not present in population databases (gnomAD no frequency). This sequence change replaces arginine, which is basic and polar, with serine, which is neutral and polar, at codon 962 of the RECQL4 protein (p.Arg962Ser).

NM_004260.4(RECQL4):c.2886G>C (p.Arg962Ser)

Gene: RECQL4 (RecQ like helicase 4; minus strand). Cytogenetic location: 8q24.3.
Variant type: single nucleotide variant.
Coding change: c.2886G>C on transcript NM_004260.4 (MANE Select); coding-DNA position 2886, G replaced by C.
Protein change: p.Arg962Ser; replaces arginine 962 with serine.
Molecular consequence: missense variant.
Genome position (GRCh38, 1-based): chr8:144,512,561, C>G on the plus strand (G>C on the coding strand, the complement: RECQL4 is on the minus strand). VCF-style: chr8-144512561-C-G. GRCh37 (hg19) VCF-style: chr8-145737944-C-G.
Other names: c.2961G>C, p.Arg987Ser (NM_001413019.1); c.2790G>C, p.Arg930Ser (NM_001413020.1); c.1815G>C, p.Arg605Ser (NM_001413021.1, NM_001413022.1, NM_001413024.1 and 4 more transcripts); c.1890G>C, p.Arg630Ser (NM_001413023.1); c.2757G>C, p.Arg919Ser (NM_001413025.1); c.1749G>C, p.Arg583Ser (NM_001413027.1, NM_001413030.1, NM_001413032.1); c.2856G>C, p.Arg952Ser (NM_001413039.1); c.1824G>C, p.Arg608Ser (NM_001413041.1); and 9 more; short protein forms R473S, R539S, R561S, R583S, R595S, R605S, R608S, R630S.
Identifiers: ClinVar variation 1720143 (VCV001720143.5), dbSNP rs1564791157, ClinGen allele CA372673717.